The following is an entry in ClinVar:

NM_016356.5(DCDC2):c.665del (p.Glu222fs)

Gene: DCDC2 (doublecortin domain containing 2; minus strand). Cytogenetic location: 6p22.3.
Variant type: Deletion.
Coding change: c.665del on transcript NM_016356.5 (MANE Select); coding-DNA position 665, one base deleted (A; older notation c.665delA).
Protein change: p.Glu222fs; shifts the reading frame from glutamic acid 222.
Molecular consequence: frameshift variant.
Genome position (GRCh38, 1-based): chr6:24,290,971, T deleted on the plus strand (A on the coding strand, the reverse complement: DCDC2 is on the minus strand). VCF-style (leftmost placement, unchanged base first): chr6-24290970-CT-C. GRCh37 (hg19) VCF-style: chr6-24291198-CT-C.
Other names: c.665del, p.Glu222fs (NM_001195610.2); short protein forms E222fs.
Identifiers: ClinVar variation 4886939 (VCV004886939.1).

ClinVar aggregate classification (germline): Likely pathogenic (1 of 4 stars; one submission).

Conditions:
Isolated neonatal sclerosing cholangitis (NSC). Also called: Sclerosing cholangitis, neonatal. Identifiers: Orphanet 480556, MedGen C4479344, MONDO:0018816, OMIM 617394.

Submission:

Molecular Genetics Laboratory, CHU Lille
Classification: Likely pathogenic for Isolated neonatal sclerosing cholangitis. Last evaluated: 2026-08-19. Review status: criteria provided, single submitter. Criteria: ACMG Guidelines, 2015. Collection method: clinical testing. Allele origin: germline. Affected: yes.
Comment: This variant creates a premature translational stop signal (p.Glu222GlyfsTer9), likely leading to an absent or disrupted protein product. Furthermore, it is absent from public databases including gnomAD. In summary, this variant meets the criteria to be classified as likely pathogenic based on the applied ACMG/AMP guidelines (PVS1, PM2).